The following is an entry in ClinVar:

ClinVar aggregate classification (germline): Uncertain significance. Review status: criteria provided, multiple submitters, no conflicts (2 of 4 stars). 2 submissions from 2 submitters: Uncertain significance (2). Last evaluated 2024-09-18.

Conditions:
Hereditary cancer-predisposing syndrome. Also called: Neoplastic Syndromes, Hereditary; Tumor predisposition; Hereditary Cancer Syndrome; Hereditary neoplastic syndrome. Identifiers: Orphanet 140162, MedGen C0027672, MeSH D009386, MONDO:0015356.

gnomAD v4.1: 1 of 1,614,076 alleles (0.000062%); highest among the groups gnomAD compares: Non-Finnish European, 0.000085%; no homozygotes.

Submissions (2):

Ambry Genetics
Classification: Uncertain significance for Hereditary cancer-predisposing syndrome. Last evaluated: 2024-09-18. Review status: criteria provided, single submitter. Criteria: Ambry Variant Classification Scheme 2023. Collection method: clinical testing. Allele origin: germline.
Comment: The p.N1172D variant (also known as c.3514A>G), located in coding exon 23 of the RAD50 gene, results from an A to G substitution at nucleotide position 3514. The asparagine at codon 1172 is replaced by aspartic acid, an amino acid with highly similar properties. This amino acid position is well conserved in available vertebrate species. In addition, this alteration is predicted to be tolerated by in silico analysis. Since supporting evidence is limited at this time, the clinical significance of this alteration remains unclear.

Labcorp Genetics (formerly Invitae), Labcorp
Classification: Uncertain significance for Hereditary cancer-predisposing syndrome. Last evaluated: 2023-01-25. Review status: criteria provided, single submitter. Criteria: Invitae Variant Classification Sherloc (09022015). Collection method: clinical testing. Allele origin: germline.
Comment: In summary, the available evidence is currently insufficient to determine the role of this variant in disease. Therefore, it has been classified as a Variant of Uncertain Significance. Algorithms developed to predict the effect of missense changes on protein structure and function (SIFT, PolyPhen-2, Align-GVGD) all suggest that this variant is likely to be tolerated. ClinVar contains an entry for this variant (Variation ID: 187402). This variant has not been reported in the literature in individuals affected with RAD50-related conditions. This variant is not present in population databases (gnomAD no frequency). This sequence change replaces asparagine, which is neutral and polar, with aspartic acid, which is acidic and polar, at codon 1172 of the RAD50 protein (p.Asn1172Asp).

NM_005732.4(RAD50):c.3514A>G (p.Asn1172Asp)

Genes: TH2LCRR (T helper type 2 locus control region associated RNA; minus strand), TH2-LCR (Th2 cytokine locus control region; plus strand), RAD50 (RAD50 double strand break repair protein; plus strand). Cytogenetic location: 5q31.1.
Variant type: single nucleotide variant.
Coding change: c.3514A>G on transcript NM_005732.4 (MANE Select); coding-DNA position 3514, A replaced by G.
Protein change: p.Asn1172Asp; replaces asparagine 1172 with aspartic acid.
Molecular consequence: missense variant. On other transcripts: non-coding transcript variant (2).
Genome position (GRCh38, 1-based): chr5:132,638,119, A>G. VCF-style: chr5-132638119-A-G. GRCh37 (hg19) VCF-style: chr5-131973811-A-G.
Other names: short protein forms N1172D.
Identifiers: ClinVar variation 187402 (VCV000187402.9), dbSNP rs757481515, ClinGen allele CA197556.